The following is an entry in ClinVar:

ClinVar aggregate classification (germline): Uncertain significance (1 of 4 stars; one submission).

Conditions:
Familial cold autoinflammatory syndrome 2 (FCAS2). Identifiers: Orphanet 247868, MedGen C2673198, MONDO:0012724, OMIM 611762.

Allele frequency attached by ClinVar (database versions not stated): gnomAD exomes below 0.00001 and 0.00001.

Submission:

Labcorp Genetics (formerly Invitae), Labcorp
Classification: Uncertain significance for Familial cold autoinflammatory syndrome 2. Last evaluated: 2017-07-30. Review status: criteria provided, single submitter. Criteria: Invitae Variant Classification Sherloc (09022015). Collection method: clinical testing. Allele origin: germline.
Comment: This sequence change replaces proline with alanine at codon 275 of the NLRP12 protein (p.Pro275Ala). The proline residue is moderately conserved and there is a small physicochemical difference between proline and alanine. This variant is not present in population databases (ExAC no frequency). This variant has not been reported in the literature in individuals with NLRP12-related disease. Algorithms developed to predict the effect of missense changes on protein structure and function output the following: SIFT: "Tolerated"; PolyPhen-2: "Benign"; Align-GVGD: "Class C0". The alanine amino acid residue is found in multiple mammalian species, suggesting that this missense change does not adversely affect protein function. These predictions have not been confirmed by published functional studies and their clinical significance is uncertain. In summary, the available evidence is currently insufficient to determine the role of this variant in disease. Therefore, it has been classified as a Variant of Uncertain Significance.

NM_144687.4(NLRP12):c.823C>G (p.Pro275Ala)

Gene: NLRP12 (NLR family pyrin domain containing 12; minus strand). Cytogenetic location: 19q13.42.
Variant type: single nucleotide variant.
Coding change: c.823C>G on transcript NM_144687.4 (MANE Select); coding-DNA position 823, C replaced by G.
Protein change: p.Pro275Ala; replaces proline 275 with alanine.
Molecular consequence: missense variant.
Genome position (GRCh38, 1-based): chr19:53,810,836, G>C on the plus strand (C>G on the coding strand, the complement: NLRP12 is on the minus strand). VCF-style: chr19-53810836-G-C. GRCh37 (hg19) VCF-style: chr19-54314090-G-C.
Other names: c.823C>G, p.Pro275Ala (NM_001277126.2, NM_001277129.1); short protein forms P275A.
Identifiers: ClinVar variation 469096 (VCV000469096.8), dbSNP rs1303607100, ClinGen allele CA407415715.